The following is an entry in ClinVar:

NM_007031.2(HSF2BP):c.741G>A (p.Leu247=)

Gene: HSF2BP (heat shock transcription factor 2 binding protein; minus strand). Cytogenetic location: 21q22.3.
Variant type: single nucleotide variant.
Coding change: c.741G>A on transcript NM_007031.2 (MANE Select); coding-DNA position 741, G replaced by A.
Protein change: p.Leu247=; no amino-acid change (leucine 247 retained).
Molecular consequence: synonymous variant.
Genome position (GRCh38, 1-based): chr21:43,592,280, C>T on the plus strand (G>A on the coding strand, the complement: HSF2BP is on the minus strand). VCF-style: chr21-43592280-C-T. GRCh37 (hg19) VCF-style: chr21-45012161-C-T.
Identifiers: ClinVar variation 3025352 (VCV003025352.22), dbSNP rs144578484, ClinGen allele CA10047315.

ClinVar aggregate classification (germline): Likely benign (1 of 4 stars; one submission).

Allele frequency attached by ClinVar (database versions not stated): 1000 Genomes Project 30x 0.00016; 1000 Genomes Project 0.00020; TOPMed 0.00026; ExAC 0.00029; gnomAD 0.00042; gnomAD exomes 0.00049; ESP Exome Variant Server 0.00069.
gnomAD v4.1: 758 of 1,613,978 alleles (0.047%); highest among the groups gnomAD compares: Non-Finnish European, 0.059%; 1 homozygote.

Submission:

CeGaT Center for Human Genetics Tuebingen
Classification: Likely benign. Last evaluated: 2024-02-01. Review status: criteria provided, single submitter. Criteria: CeGaT Center For Human Genetics Tuebingen Variant Classification Criteria Version 2. Collection method: clinical testing. Allele origin: germline. Affected: yes. Observed: 1 variant allele.
Comment: HSF2BP: BP4, BP7